The following is an entry in ClinVar:

ClinVar aggregate classification (germline): Uncertain significance (1 of 4 stars; one submission).

Conditions:
Epilepsy, familial adult myoclonic, 5 (EPEO5). Also called: CORTICAL MYOCLONIC TREMOR WITH EPILEPSY, FAMILIAL, 5. Identifiers: Orphanet 86814, MedGen C3809374, MONDO:0014167, OMIM 615400.

Allele frequency attached by ClinVar (database versions not stated): gnomAD exomes below 0.00001.
gnomAD v4.1: 1 of 1,613,846 alleles (0.000062%); no homozygotes.

Submission:

Labcorp Genetics (formerly Invitae), Labcorp
Classification: Uncertain significance for Epilepsy, familial adult myoclonic, 5. Last evaluated: 2024-02-19. Review status: criteria provided, single submitter. Criteria: Invitae Variant Classification Sherloc (09022015). Collection method: clinical testing. Allele origin: germline.
Comment: This sequence change replaces alanine, which is neutral and non-polar, with proline, which is neutral and non-polar, at codon 768 of the CNTN2 protein (p.Ala768Pro). This variant is present in population databases (no rsID available, gnomAD 0.004%). This variant has not been reported in the literature in individuals affected with CNTN2-related conditions. ClinVar contains an entry for this variant (Variation ID: 2085913). Advanced modeling of protein sequence and biophysical properties (such as structural, functional, and spatial information, amino acid conservation, physicochemical variation, residue mobility, and thermodynamic stability) performed at Invitae indicates that this missense variant is not expected to disrupt CNTN2 protein function with a negative predictive value of 95%. In summary, the available evidence is currently insufficient to determine the role of this variant in disease. Therefore, it has been classified as a Variant of Uncertain Significance.

NM_005076.5(CNTN2):c.2302G>C (p.Ala768Pro)

Gene: CNTN2 (contactin 2; plus strand). Cytogenetic location: 1q32.1.
Variant type: single nucleotide variant.
Coding change: c.2302G>C on transcript NM_005076.5 (MANE Select); coding-DNA position 2302, G replaced by C.
Protein change: p.Ala768Pro; replaces alanine 768 with proline.
Molecular consequence: missense variant. On other transcripts: non-coding transcript variant (1).
Genome position (GRCh38, 1-based): chr1:205,069,932, G>C. VCF-style: chr1-205069932-G-C. GRCh37 (hg19) VCF-style: chr1-205039060-G-C.
Other names: c.2302G>C, p.Ala768Pro (NM_001346083.2); short protein forms A768P.
Identifiers: ClinVar variation 2085913 (VCV002085913.4), dbSNP rs1193403318, ClinGen allele CA344378829.